The following is an entry in ClinVar:

ClinVar aggregate classification (germline): Uncertain significance (1 of 4 stars; one submission).

Conditions:
Neuromuscular disease caused by qualitative or quantitative defects of dysferlin. Also called: Dysferlinopathy; Qualitative or quantitative defects of dysferlin. Identifiers: Orphanet 207073, MedGen C2931687, MONDO:0016145.

gnomAD v4.1: 36 of 1,551,646 alleles (0.0023%); highest among the groups gnomAD compares: Middle Eastern, 0.05%; no homozygotes.

Submission:

Laboratory of Molecular Genetics, Federal State Budgetary Educational Institution of Higher Education, Saint Petersburg State Pediatric Medical University of the Ministry of Health of the Russian Federation
Classification: Uncertain significance for Neuromuscular disease caused by qualitative or quantitative defects of dysferlin. Last evaluated: 2025-10-22. Review status: criteria provided, single submitter. Criteria: ACMG Guidelines, 2015. Collection method: clinical testing. Allele origin: paternal. Inheritance: Autosomal recessive inheritance. Affected: yes. Observed: 1 compound heterozygote.
Comment: The DYSF c.518C>T (p.Thr173Met) variant is classified as variant of uncertain significance (VUS) based on ACMG/AMP criteria. In summary, the available genetic and clinical evidence supports classification of this variant as Uncertain significance.

Literature cited by the submitters: PubMed 19084402; PubMed 25821721.

NM_001130987.2(DYSF):c.518C>T (p.Thr173Met)

Gene: DYSF (dysferlin; plus strand). Cytogenetic location: 2p13.2.
Variant type: single nucleotide variant.
Coding change: c.518C>T on transcript NM_001130987.2 (MANE Select); coding-DNA position 518, C replaced by T.
Protein change: p.Thr173Met; replaces threonine 173 with methionine.
Molecular consequence: missense variant. On other transcripts: intron variant (8).
Genome position (GRCh38, 1-based): chr2:71,513,297, C>T. VCF-style: chr2-71513297-C-T. GRCh37 (hg19) VCF-style: chr2-71740427-C-T.
Other names: NP_001124459.1:p.Thr173Met; c.515C>T, p.Thr172Met (NM_001130979.2, NM_001130980.2, NM_001130981.2); c.518C>T, p.Thr173Met (NM_001130982.2, NM_001130985.2); c.458-419C>T (NM_001130978.2, NM_003494.4, NM_001130977.2 and 1 more transcripts); c.461-419C>T (NM_001130983.2, NM_001130455.2, NM_001130984.2 and 1 more transcripts); short protein forms T172M, T173M.
Identifiers: ClinVar variation 4526590 (VCV004526590.1).
Genomic context (GRCh38, chr2:71,513,297, plus strand): 5'-CAGGCGGGGGACAGAGCCGGGCCGAGACTTGGTCCCTGCTCAGTGACAGCACCATGGACA[C>T]GAGATACTCTGGAAAGAAGTGGCCGGCCCCCACGGGTGAGACACGGGCCAGGACTGTCCT-3'
Protein context (NP_001124459.1, residues 163-183): WSLLSDSTMD[Thr173Met]RYSGKKWPAP